The following is an entry in ClinVar:

ClinVar aggregate classification (germline): Likely benign (1 of 4 stars; one submission).

Submission:

Mayo Clinic Laboratories, Mayo Clinic
Classification: Likely benign. Last evaluated: 2025-11-27. Review status: criteria provided, single submitter. Criteria: ACMG Guidelines, 2015. Collection method: clinical testing. Allele origin: germline. Observed: 1 variant allele.
Comment: BP4, BP7, PM2_supporting

NM_031421.5(ODAD4):c.1113C>T (p.Ala371=)

Gene: ODAD4 (outer dynein arm docking complex subunit 4; plus strand). Cytogenetic location: 17q21.2.
Variant type: single nucleotide variant.
Coding change: c.1113C>T on transcript NM_031421.5 (MANE Select); coding-DNA position 1113, C replaced by T.
Protein change: p.Ala371=; no amino-acid change (alanine 371 retained).
Molecular consequence: synonymous variant. On other transcripts: non-coding transcript variant (3).
Genome position (GRCh38, 1-based): chr17:41,945,190, C>T. VCF-style: chr17-41945190-C-T. GRCh37 (hg19) VCF-style: chr17-40101444-C-T.
Other names: p.Ala371=; c.1113C>T, p.Ala371= (NM_001350319.2).
Identifiers: ClinVar variation 4684211 (VCV004684211.1).